The following is an entry in ClinVar:

NM_001035.3(RYR2):c.6216G>T (p.Glu2072Asp)

Gene: RYR2 (ryanodine receptor 2; plus strand). Cytogenetic location: 1q43.
Variant type: single nucleotide variant.
Coding change: c.6216G>T on transcript NM_001035.3 (MANE Select); coding-DNA position 6216, G replaced by T.
Protein change: p.Glu2072Asp; replaces glutamic acid 2072 with aspartic acid.
Molecular consequence: missense variant.
Genome position (GRCh38, 1-based): chr1:237,627,856, G>T. VCF-style: chr1-237627856-G-T. GRCh37 (hg19) VCF-style: chr1-237791156-G-T.
Other names: short protein forms E2072D.
Identifiers: ClinVar variation 3674218 (VCV003674218.2).
Genomic context (GRCh38, chr1:237,627,856, plus strand): 5'-TGACTTTGCAGCCACTCTGCAGCAGCTGATTTCTGAGACCATGGTCCGATGGGCTCAGGA[G>T]TCTGTCATTGAAGACCCCGAGCTGGTGAGGGCCATGTTTGTGTTGCTCCATCGGCAGTAT-3'
Protein context (NP_001026.2, residues 2062-2082): ISETMVRWAQ[Glu2072Asp]SVIEDPELVR

ClinVar aggregate classification (germline): Uncertain significance (1 of 4 stars; one submission).

Conditions:
Catecholaminergic polymorphic ventricular tachycardia 1. Also called: VENTRICULAR TACHYCARDIA, CATECHOLAMINERGIC POLYMORPHIC, 1, WITH OR WITHOUT ATRIAL DYSFUNCTION AND/OR DILATED CARDIOMYOPATHY; VENTRICULAR TACHYCARDIA, STRESS-INDUCED POLYMORPHIC 1; RYR2-Related Catecholaminergic Polymorphic Ventricular Tachycardia. Identifiers: Orphanet 3286, MedGen C1631597, MONDO:0011484, OMIM 604772.

Submission:

Labcorp Genetics (formerly Invitae), Labcorp
Classification: Uncertain significance for Catecholaminergic polymorphic ventricular tachycardia 1. Last evaluated: 2024-05-23. Review status: criteria provided, single submitter. Criteria: Invitae Variant Classification Sherloc (09022015). Collection method: clinical testing. Allele origin: germline.
Comment: This sequence change replaces glutamic acid, which is acidic and polar, with aspartic acid, which is acidic and polar, at codon 2072 of the RYR2 protein (p.Glu2072Asp). This variant is not present in population databases (gnomAD no frequency). This variant has not been reported in the literature in individuals affected with RYR2-related conditions. Advanced modeling of protein sequence and biophysical properties (such as structural, functional, and spatial information, amino acid conservation, physicochemical variation, residue mobility, and thermodynamic stability) performed at Invitae indicates that this missense variant is not expected to disrupt RYR2 protein function with a negative predictive value of 95%. In summary, the available evidence is currently insufficient to determine the role of this variant in disease. Therefore, it has been classified as a Variant of Uncertain Significance.